The following is an entry in ClinVar:

NM_004991.4(MECOM):c.3191A>G (p.Glu1064Gly)

Gene: MECOM (MDS1 and EVI1 complex locus; minus strand). Cytogenetic location: 3q26.2.
Variant type: single nucleotide variant.
Coding change: c.3191A>G on transcript NM_004991.4 (MANE Select); coding-DNA position 3191, A replaced by G.
Protein change: p.Glu1064Gly; replaces glutamic acid 1064 with glycine.
Molecular consequence: missense variant.
Genome position (GRCh38, 1-based): chr3:169,090,210, T>C on the plus strand (A>G on the coding strand, the complement: MECOM is on the minus strand). VCF-style: chr3-169090210-T-C. GRCh37 (hg19) VCF-style: chr3-168807998-T-C.
Other names: c.2822A>G, p.Glu941Gly (NM_001105077.4); c.2627A>G, p.Glu876Gly (NM_001105078.4, NM_001205194.2, NM_001366469.2 and 1 more transcripts); c.2603A>G, p.Glu868Gly (NM_001163999.2, NM_001366470.2); c.2600A>G, p.Glu867Gly (NM_001164000.2, NM_001366471.2, NM_001366472.2); c.3164A>G, p.Glu1055Gly (NM_001366466.2); c.2630A>G, p.Glu877Gly (NM_001366467.2, NM_001366468.2); c.2192A>G, p.Glu731Gly (NM_001366473.2); c.1628A>G, p.Glu543Gly (NM_001366474.2); short protein forms E867G, E877G, E1055G, E543G, E868G, E876G, E1064G, E941G.
Identifiers: ClinVar variation 4053083 (VCV004053083.1).

ClinVar aggregate classification (germline): Uncertain significance (1 of 4 stars; one submission).

Conditions:
Inborn genetic diseases. Identifiers: MedGen C0950123, MeSH D030342.

gnomAD v4.1: 1 of 1,611,568 alleles (0.000062%); highest among the groups gnomAD compares: Non-Finnish European, 0.000085%; no homozygotes.

Submission:

Ambry Genetics
Classification: Uncertain significance for Inborn genetic diseases. Last evaluated: 2025-03-19. Review status: criteria provided, single submitter. Criteria: Ambry Variant Classification Scheme 2023. Collection method: clinical testing. Allele origin: germline.
Comment: The p.E1064G variant (also known as c.3191A>G), located in coding exon 15 of the MECOM gene, results from an A to G substitution at nucleotide position 3191. The glutamic acid at codon 1064 is replaced by glycine, an amino acid with similar properties. This amino acid position is conserved. In addition, this alteration is predicted to be tolerated by in silico analysis. Based on the available evidence, the clinical significance of this variant remains unclear.